The following is an entry in ClinVar:

ClinVar aggregate classification (germline): Conflicting classifications of pathogenicity. Review status: criteria provided, conflicting classifications (1 of 4 stars). 4 submissions from 4 submitters: Uncertain significance (3); Likely benign (1). Last evaluated 2025-11-14.

Conditions:
Autosomal dominant nonsyndromic hearing loss 5. Identifiers: Orphanet 90635, MedGen C1832932, MONDO:0010973, OMIM 600994.

Allele frequency attached by ClinVar (database versions not stated): gnomAD 0.00002 and 0.00004; TOPMed 0.00002; gnomAD exomes 0.00008; ExAC 0.00009; 1000 Genomes Project 30x 0.00031; 1000 Genomes Project 0.00040.
gnomAD v4.1: 99 of 1,613,964 alleles (0.0061%); highest among the groups gnomAD compares: South Asian, 0.098%; 2 homozygotes.

Submissions (4):

Women's Health and Genetics/Laboratory Corporation of America, LabCorp
Classification: Uncertain significance. Last evaluated: 2025-11-14. Review status: criteria provided, single submitter. Criteria: LabCorp Variant Classification Summary - May 2015. Collection method: clinical testing. Allele origin: germline.
Comment: Variant summary: GSDME c.480G>C (p.Gln160His) results in a non-conservative amino acid change in the encoded protein sequence. Algorithms developed to predict the effect of missense changes on protein structure and function are either unavailable or do not agree on the potential impact of this missense change. The variant allele was found at a frequency of 6.1e-05 in 1613964 control chromosomes in the gnomAD database, including 2 homozygotes. This frequency is not significantly higher than estimated for disease-causing variants in GSDME, allowing no conclusion about variant significance. To our knowledge, no occurrence of c.480G>C in individuals affected with GSDME-related conditions and no experimental evidence demonstrating its impact on protein function have been reported. ClinVar contains an entry for this variant (Variation ID: 359855). Based on the evidence outlined above, the variant was classified as uncertain significance.

Labcorp Genetics (formerly Invitae), Labcorp
Classification: Uncertain significance. Last evaluated: 2024-03-13. Review status: criteria provided, single submitter. Criteria: Invitae Variant Classification Sherloc (09022015). Collection method: clinical testing. Allele origin: germline.
Comment: This sequence change replaces glutamine, which is neutral and polar, with histidine, which is basic and polar, at codon 160 of the DFNA5 protein (p.Gln160His). This variant is present in population databases (rs546120306, gnomAD 0.06%), including at least one homozygous and/or hemizygous individual. This variant has not been reported in the literature in individuals affected with DFNA5-related conditions. ClinVar contains an entry for this variant (Variation ID: 359855). Advanced modeling of protein sequence and biophysical properties (such as structural, functional, and spatial information, amino acid conservation, physicochemical variation, residue mobility, and thermodynamic stability) performed at Invitae indicates that this missense variant is expected to disrupt DFNA5 protein function with a positive predictive value of 80%. In summary, the available evidence is currently insufficient to determine the role of this variant in disease. Therefore, it has been classified as a Variant of Uncertain Significance.

GeneDx
Classification: Likely benign. Last evaluated: 2021-01-19. Review status: criteria provided, single submitter. Criteria: GeneDx Variant Classification Process June 2021. Collection method: clinical testing. Allele origin: germline. Affected: yes.

Illumina Laboratory Services, Illumina
Classification: Uncertain significance for Autosomal dominant nonsyndromic hearing loss 5. Last evaluated: 2018-01-13. Review status: criteria provided, single submitter. Criteria: ICSL Variant Classification Criteria 13 December 2019. Collection method: clinical testing. Allele origin: germline.

NM_001127453.2(GSDME):c.480G>C (p.Gln160His)

Gene: GSDME (gasdermin E; minus strand). Cytogenetic location: 7p15.3.
Variant type: single nucleotide variant.
Coding change: c.480G>C on transcript NM_001127453.2 (MANE Select); coding-DNA position 480, G replaced by C.
Protein change: p.Gln160His; replaces glutamine 160 with histidine.
Molecular consequence: missense variant. On other transcripts: 5 prime UTR variant (1).
Genome position (GRCh38, 1-based): chr7:24,719,143, C>G on the plus strand (G>C on the coding strand, the complement: GSDME is on the minus strand). VCF-style: chr7-24719143-C-G. GRCh37 (hg19) VCF-style: chr7-24758762-C-G.
Other names: c.-13G>C (NM_001127454.2); c.480G>C, p.Gln160His (NM_004403.3); short protein forms Q160H.
Identifiers: ClinVar variation 359855 (VCV000359855.12), dbSNP rs546120306, ClinGen allele CA4191727.